The following is an entry in ClinVar:

ClinVar aggregate classification (germline): Conflicting classifications of pathogenicity. Review status: criteria provided, conflicting classifications (1 of 4 stars). 12 submissions from 12 submitters: Uncertain significance (3); Benign (1); Likely benign (5). 3 of the submissions do not count toward it. Last evaluated 2026-04-01.

Conditions:
Cardiovascular phenotype. Identifiers: MedGen CN230736.
Progressive familial heart block, type 1A (PFHB1A). Also called: HEART BLOCK, PROGRESSIVE FAMILIAL, TYPE I; Heart block, progressive, type IA; Heart block progressive familial type 1; Cardiac conduction defect progressive; PROGRESSIVE FAMILIAL HEART BLOCK, TYPE IA; HEREDITARY BUNDLE BRANCH SYSTEM DEFECT. Identifiers: Orphanet 871, MedGen C1879286, MONDO:0007240, OMIM 113900.
Progressive familial heart block type IB (PFHB1B). Identifiers: Orphanet 871, MedGen C1970298, MONDO:0011474, OMIM 604559.

Allele frequency attached by ClinVar (database versions not stated): gnomAD exomes 0.00030; 1000 Genomes Project 0.00040; gnomAD 0.00042 and 0.00047; 1000 Genomes Project 30x 0.00047; ExAC 0.00050; TOPMed 0.00067; ESP Exome Variant Server 0.00069.
gnomAD v4.1: 558 of 1,613,876 alleles (0.035%); highest among the groups gnomAD compares: Middle Eastern, 1.7%; 5 homozygotes.

Submissions (12):

CeGaT Center for Human Genetics Tuebingen
Classification: Likely benign. Last evaluated: 2026-04-01. Review status: criteria provided, single submitter. Criteria: CeGaT Center For Human Genetics Tuebingen Variant Classification Criteria Version 2. Collection method: clinical testing. Allele origin: germline. Affected: yes. Observed: 2 variant alleles.
Comment: TRPM4: BS1

Labcorp Genetics (formerly Invitae), Labcorp
Classification: Likely benign for Progressive familial heart block type IB. Last evaluated: 2026-01-31. Review status: criteria provided, single submitter. Criteria: Invitae Variant Classification Sherloc (09022015). Collection method: clinical testing. Allele origin: germline.

Blueprint Genetics
Classification: Likely benign. Last evaluated: 2024-10-24. Review status: criteria provided, single submitter. Criteria: ACMG Guidelines, 2015. Collection method: clinical testing. Allele origin: germline.

Women's Health and Genetics/Laboratory Corporation of America, LabCorp
Classification: Likely benign. Last evaluated: 2024-07-21. Review status: criteria provided, single submitter. Criteria: LabCorp Variant Classification Summary - May 2015. Collection method: clinical testing. Allele origin: germline.

GeneDx
Classification: Likely benign. Last evaluated: 2020-03-31. Review status: criteria provided, single submitter. Criteria: GeneDx Variant Classification Process June 2021. Collection method: clinical testing. Allele origin: germline. Affected: yes.
Comment: This variant is associated with the following publications: (PMID: 26820365, 23382873, 20562447, 21887725, 27884173, 26350513, 28341588, 27207958, 22750058, 30021168)

Mendelics
Classification: Uncertain significance for Progressive familial heart block, type 1A. Last evaluated: 2019-05-28. Review status: criteria provided, single submitter. Criteria: Mendelics Assertion Criteria 2017. Collection method: clinical testing. Allele origin: unknown.

Ambry Genetics
Classification: Benign for Cardiovascular phenotype. Last evaluated: 2018-12-03. Review status: criteria provided, single submitter. Criteria: Ambry Variant Classification Scheme 2023. Collection method: clinical testing. Allele origin: germline.

Clinical Genetics DNA and cytogenetics Diagnostics Lab, Erasmus MC, Erasmus Medical Center
Classification: Uncertain significance for Progressive familial heart block type IB. Last evaluated: 2017-11-07. Review status: criteria provided, single submitter. Criteria: ACGS Guidelines, 2013. Collection method: clinical testing. Allele origin: germline. Affected: yes. Study: VKGL Data-share Consensus.

Illumina Laboratory Services, Illumina
Classification: Uncertain significance for Progressive familial heart block type IB. Last evaluated: 2017-04-27. Review status: criteria provided, single submitter. Criteria: ICSL Variant Classification Criteria 13 December 2019. Collection method: clinical testing. Allele origin: germline.
Comment: This variant was observed as part of a predisposition screen in an ostensibly healthy population. A literature search was performed for the gene, cDNA change, and amino acid change (where applicable). Publications were found based on this search. However, the evidence from the literature, in combination with allele frequency data from public databases where available, was not sufficient to rule this variant in or out of causing disease. Therefore, this variant is classified as a variant of unknown significance.

OMIM
Classification: Pathogenic for PROGRESSIVE FAMILIAL HEART BLOCK, TYPE IB. Last evaluated: 2012-01-01. Review status: no assertion criteria provided. Collection method: literature only. Allele origin: germline. Not counted in ClinVar's aggregate classification.

Clinical Genetics, Academic Medical Center
Classification: Uncertain significance. Review status: no assertion criteria provided. Collection method: clinical testing. Allele origin: germline. Affected: yes. Study: VKGL Data-share Consensus. Not counted in ClinVar's aggregate classification.

Laboratory of Diagnostic Genome Analysis, Leiden University Medical Center (LUMC)
Classification: Uncertain significance. Review status: no assertion criteria provided. Collection method: clinical testing. Allele origin: germline. Affected: yes. Study: VKGL Data-share Consensus. Not counted in ClinVar's aggregate classification.

Literature cited by the submitters: PubMed 20562447 (cited by 3 submitters); PubMed 21887725 (cited by 3 submitters); PubMed 23382873 (cited by Ambry Genetics); PubMed 26350513 (cited by Ambry Genetics); PubMed 26820365 (cited by Ambry Genetics); PubMed 27207958 (cited by Ambry Genetics); PubMed 27884173 (cited by Ambry Genetics); PubMed 28341588 (cited by Ambry Genetics); PubMed 30021168 (cited by Ambry Genetics and OMIM); PubMed 30142439 (cited by Ambry Genetics); PubMed 619595 (cited by OMIM).

NM_017636.4(TRPM4):c.1294G>A (p.Ala432Thr)

Genes: HRC (histidine rich calcium binding protein; minus strand), TRPM4 (transient receptor potential cation channel subfamily M member 4; plus strand). Cytogenetic location: 19q13.33.
Variant type: single nucleotide variant.
Coding change: c.1294G>A on transcript NM_017636.4 (MANE Select); coding-DNA position 1294, G replaced by A.
Protein change: p.Ala432Thr; replaces alanine 432 with threonine.
Molecular consequence: missense variant. On other transcripts: 5 prime UTR variant (1).
Genome position (GRCh38, 1-based): chr19:49,182,608, G>A. VCF-style: chr19-49182608-G-A. GRCh37 (hg19) VCF-style: chr19-49685865-G-A.
Other names: c.1294G>A, p.Ala432Thr (NM_001195227.2); c.949G>A, p.Ala317Thr (NM_001321281.2); c.-260G>A (NM_001321282.2); c.772G>A, p.Ala258Thr (NM_001321283.2); c.232G>A, p.Ala78Thr (NM_001321285.2); short protein forms A432T, A78T, A258T, A317T.
Identifiers: ClinVar variation 35487 (VCV000035487.43), dbSNP rs201907325, ClinGen allele CA250716.